The following is an entry in ClinVar:

ClinVar aggregate classification (germline): Pathogenic/Likely pathogenic. Review status: criteria provided, multiple submitters, no conflicts (2 of 4 stars). 3 submissions from 3 submitters: Pathogenic (1); Likely pathogenic (1). 1 of the submissions does not count toward it. Last evaluated 2022-01-03.

Conditions:
Mendelian susceptibility to mycobacterial diseases due to partial STAT1 deficiency. Also called: IMMUNODEFICIENCY 31A, MYCOBACTERIOSIS, AUTOSOMAL DOMINANT; STAT1 DEFICIENCY, AUTOSOMAL DOMINANT; Immunodeficiency 31a. Identifiers: Orphanet 319595, MedGen C4013950, MONDO:0013956, OMIM 614892.
Immunodeficiency 31B. Also called: IMMUNODEFICIENCY 31B, MYCOBACTERIAL AND VIRAL INFECTIONS, AUTOSOMAL RECESSIVE; STAT1 DEFICIENCY, AUTOSOMAL RECESSIVE. Identifiers: Orphanet 391311, MedGen C3151088, MONDO:0013427, OMIM 613796.
Autoimmune enteropathy and endocrinopathy - susceptibility to chronic infections syndrome. Also called: Immunodeficiency 31C, autosomal dominant; Immunodeficiency 31C. Identifiers: Orphanet 391487, MedGen C3279990, MONDO:0013599, OMIM 614162.

Submissions (3):

3billion
Classification: Pathogenic for Autoimmune enteropathy and endocrinopathy - susceptibility to chronic infections syndrome. Last evaluated: 2022-01-03. Review status: criteria provided, single submitter. Criteria: ACMG Guidelines, 2015. Collection method: clinical testing. Allele origin: germline. Affected: yes. Observed: 1 heterozygote.
Comment: Functional studies provide strong evidence of the variant having a damaging effect on the gene or gene product (PMID:23541320, PS3_S). A different missense change at the same codon has been reported as pathogenic/likely pathogenic with strong evidence (ClinVar ID: VCV000030083,VCV000030085, PMID:21714643,21727188, PM5_M). In silico tool predictions suggest damaging effect of the variant on gene or gene product (REVEL: 0.835, 3CNET: 0.99, PP3_P). A missense variant is a common mechanism associated with Immunodeficiency 31C (PP2_P). It is not observed in the gnomAD v2.1.1 dataset (PM2_M). Therefore, this variant is classified as pathogenic according to the recommendation of ACMG/AMP guideline.

Labcorp Genetics (formerly Invitae), Labcorp
Classification: Likely pathogenic for Mendelian susceptibility to mycobacterial diseases due to partial STAT1 deficiency; Immunodeficiency 31B; Autoimmune enteropathy and endocrinopathy - susceptibility to chronic infections syndrome. Last evaluated: 2018-07-16. Review status: criteria provided, single submitter. Criteria: Invitae Variant Classification Sherloc (09022015). Collection method: clinical testing. Allele origin: germline.
Comment: This sequence change replaces arginine with glycine at codon 274 of the STAT1 protein (p.Arg274Gly). The arginine residue is highly conserved and there is a moderate physicochemical difference between arginine and glycine. This variant is not present in population databases (ExAC no frequency). Two different missense substitution at this codon (p.Arg274Gln and p.Arg274Trp) have been determined to be pathogenic (PMID: 21714643, 21727188, 22195034, 22847544, 25367169, 26604104, 26242301, 28258222). This suggests that the arginine residue is critical for STAT1 protein function and that other missense substitutions at this position may also be pathogenic. In summary, the currently available evidence indicates that the variant is pathogenic, but additional data are needed to prove that conclusively. Therefore, this variant has been classified as Likely Pathogenic. This variant has been reported in an individual affected with oral candidiasis and disseminated histoplasmosis (PMID: 23541320). ClinVar contains an entry for this variant (Variation ID: 160354). Experimental studies using transfected cells have shown that this missense change causes results in delayed dephosphorylation, enhanced DNA binding, and enhanced transactivation of STAT1 after IFN-γ and IFN-α stimulation (PMID: 23541320).

OMIM
Classification: Pathogenic for IMMUNODEFICIENCY 31C. Last evaluated: 2013-06-01. Review status: no assertion criteria provided. Collection method: literature only. Allele origin: germline. Not counted in ClinVar's aggregate classification.

Literature cited by the submitters: PubMed 21714643 (cited by 3billion and Labcorp Genetics (formerly Invitae), Labcorp); PubMed 23541320 (cited by 3 submitters); PubMed 21727188 (cited by Labcorp Genetics (formerly Invitae), Labcorp); PubMed 22195034 (cited by Labcorp Genetics (formerly Invitae), Labcorp); PubMed 22847544 (cited by Labcorp Genetics (formerly Invitae), Labcorp); PubMed 25367169 (cited by Labcorp Genetics (formerly Invitae), Labcorp); PubMed 26604104 (cited by Labcorp Genetics (formerly Invitae), Labcorp); PubMed 26242301 (cited by Labcorp Genetics (formerly Invitae), Labcorp); PubMed 28258222 (cited by Labcorp Genetics (formerly Invitae), Labcorp).

NM_007315.4(STAT1):c.820C>G (p.Arg274Gly)

Gene: STAT1 (signal transducer and activator of transcription 1; minus strand). Cytogenetic location: 2q32.2.
Variant type: single nucleotide variant.
Coding change: c.820C>G on transcript NM_007315.4 (MANE Select); coding-DNA position 820, C replaced by G.
Protein change: p.Arg274Gly; replaces arginine 274 with glycine.
Molecular consequence: missense variant. On other transcripts: intron variant (1).
Genome position (GRCh38, 1-based): chr2:190,995,185, G>C on the plus strand (C>G on the coding strand, the complement: STAT1 is on the minus strand). VCF-style: chr2-190995185-G-C. GRCh37 (hg19) VCF-style: chr2-191859911-G-C.
Other names: c.820C>G, p.Arg274Gly (NM_001384880.1, NM_001384882.1, NM_001384886.1 and 4 more transcripts); c.826C>G, p.Arg276Gly (NM_001384881.1, NM_001384884.1); c.721C>G, p.Arg241Gly (NM_001384883.1); c.730C>G, p.Arg244Gly (NM_001384890.1); c.856C>G, p.Arg286Gly (NM_001384891.1); c.785+2671C>G (NM_001384885.1); short protein forms R274G, R241G, R244G, R276G, R286G.
Identifiers: ClinVar variation 160354 (VCV000160354.11), dbSNP rs387906758, ClinGen allele CA173962.
Genomic context (GRCh38, chr2:190,995,185, plus strand): 5'-TAGGGTCATGTTCGTAGGTGTATTTCTGTTCCAATTCCTCCAACTTTTTAAGCTGCTGCC[G>C]AACTTGCTGCAGACTCTCCGCAACTATAGTGAACCTGGGAAGACACAAGACACAGATGTC-3'
Protein context (NP_009330.1, residues 264-284): TIVAESLQQV[Arg274Gly]QQLKKLEELE